The following is an entry in ClinVar:

ClinVar aggregate classification (germline): Pathogenic/Likely pathogenic. Review status: criteria provided, multiple submitters, no conflicts (2 of 4 stars). 6 submissions from 6 submitters: Pathogenic (4); Likely pathogenic (2). Last evaluated 2025-07-29.

Conditions:
Primary ciliary dyskinesia 3. Identifiers: Orphanet 244, MedGen C1837618, MONDO:0012085, OMIM 608644.
Primary ciliary dyskinesia. Also called: Ciliary dyskinesia. Identifiers: Orphanet 244, MedGen C0008780, MONDO:0016575, HP:0012265.

Submissions (6):

Labcorp Genetics (formerly Invitae), Labcorp
Classification: Pathogenic for Primary ciliary dyskinesia. Last evaluated: 2025-07-29. Review status: criteria provided, single submitter. Criteria: Invitae Variant Classification Sherloc (09022015). Collection method: clinical testing. Allele origin: germline.
Comment: This sequence change creates a premature translational stop signal (p.Ala4354Argfs*23) in the DNAH5 gene. It is expected to result in an absent or disrupted protein product. Loss-of-function variants in DNAH5 are known to be pathogenic (PMID: 11788826, 16627867). This variant is present in population databases (no rsID available, gnomAD 0.0009%). This variant has not been reported in the literature in individuals affected with DNAH5-related conditions. ClinVar contains an entry for this variant (Variation ID: 568028). For these reasons, this variant has been classified as Pathogenic.

Dasa
Classification: Likely pathogenic. Last evaluated: 2025-05-27. Review status: criteria provided, single submitter. Criteria: DASA Assertion Criteria. Collection method: clinical testing. Allele origin: germline.
Comment: NM_001369.3(DNAH5):c.13060del (p.Ala4354Argfs*23) is a frameshift variant in DNAH5 predicted to alter the reading frame and introduce a premature termination codon and is predicted to result in an absent or altered protein product. Loss of function is an established disease mechanism for DNAH5-associated disorders. Also, this variant is rare in population databases. Based on the currently available evidence, this variant is classified as likely pathogenic.

Natera, Inc.
Classification: Likely pathogenic for Primary ciliary dyskinesia. Last evaluated: 2025-04-24. Review status: criteria provided, single submitter. Criteria: Natera Variant Classification Schema (03/2026). Collection method: clinical testing. Allele origin: germline.
Comment: The c.13060delG variant in DNAH5 is a frameshift variant predicted to shift the reading frame beginning at codon 4354 and leads to a stop codon 23 codons downstream. This variant is expected to result in nonsense mediated decay, truncation, or a dysfunctional protein product. This variant is rare in the general population with a frequency below the threshold expected for the associated phenotype(s). Given the available evidence, this variant is classified as Likely Pathogenic.

Fulgent Genetics
Classification: Pathogenic for Primary ciliary dyskinesia 3. Last evaluated: 2022-01-06. Review status: criteria provided, single submitter. Criteria: ACMG Guidelines, 2015. Collection method: clinical testing. Allele origin: unknown.

Cambridge Genomics Laboratory, East Genomic Laboratory Hub, NHS Genomic Medicine Service
Classification: Pathogenic for Primary ciliary dyskinesia. Last evaluated: 2019-12-18. Review status: criteria provided, single submitter. Criteria: ACGS Best Practice Guidelines for Variant Classification in Rare Disease 2020. Collection method: clinical testing. Allele origin: germline. Affected: yes. Observed: 1 variant allele.

Ambry Genetics
Classification: Pathogenic for Primary ciliary dyskinesia. Last evaluated: 2014-12-25. Review status: criteria provided, single submitter. Criteria: Ambry Variant Classification Scheme 2023. Collection method: clinical testing. Allele origin: germline.
Comment: The c.13060delG variant, located in coding exon 75 of the DNAH5 gene, results from a deletion of one nucleotide at nucleotide position 13060, causing a translational frameshift with a predicted alternate stop codon. This variant was not reported in population based cohorts in the following databases: Database of Single Nucleotide Polymorphisms (dbSNP), NHLBI Exome Sequencing Project (ESP), and 1000 Genomes Project. In the ESP, this variant was not observed in 6503 samples (13006 alleles) with coverage at this position. Since frameshifts are typically deleterious in nature, this alteration is interpreted as a disease-causing mutation (ACMG Recommendations for Standards for Interpretation and Reporting of Sequence Variations. Revision 2007. Genet Med. 2008;10:294).

Literature cited by the submitters: PubMed 11788826 (cited by Labcorp Genetics (formerly Invitae), Labcorp); PubMed 16627867 (cited by Labcorp Genetics (formerly Invitae), Labcorp).

NM_001369.3(DNAH5):c.13060del (p.Ala4354fs)

Gene: DNAH5 (dynein axonemal heavy chain 5; minus strand). Cytogenetic location: 5p15.2.
Variant type: Deletion.
Coding change: c.13060del on transcript NM_001369.3 (MANE Select); coding-DNA position 13060, one base deleted (G; older notation c.13060delG).
Protein change: p.Ala4354fs; shifts the reading frame from alanine 4354.
Molecular consequence: frameshift variant.
Genome position (GRCh38, 1-based): chr5:13,714,470, C deleted on the plus strand (G on the coding strand, the reverse complement: DNAH5 is on the minus strand); the first of 2 consecutive C bases (chr5:13,714,470-13,714,471); deleting either gives the same sequence. VCF-style (leftmost placement, unchanged base first): chr5-13714469-GC-G. GRCh37 (hg19) VCF-style: chr5-13714578-GC-G.
Other names: c.13060delG (NM_001369.2); short protein forms A4354fs.
Identifiers: ClinVar variation 568028 (VCV000568028.14), dbSNP rs1370489117, ClinGen allele CA557876440.